The following is an entry in ClinVar:

NM_005633.4(SOS1):c.293A>C (p.Lys98Thr)

Gene: SOS1 (SOS Ras/Rac guanine nucleotide exchange factor 1; minus strand). Cytogenetic location: 2p22.1.
Variant type: single nucleotide variant.
Coding change: c.293A>C on transcript NM_005633.4 (MANE Select); coding-DNA position 293, A replaced by C.
Protein change: p.Lys98Thr; replaces lysine 98 with threonine.
Molecular consequence: missense variant.
Genome position (GRCh38, 1-based): chr2:39,058,725, T>G on the plus strand (A>C on the coding strand, the complement: SOS1 is on the minus strand). VCF-style: chr2-39058725-T-G. GRCh37 (hg19) VCF-style: chr2-39285866-T-G.
Other names: c.272A>C, p.Lys91Thr (NM_001382394.1); c.293A>C, p.Lys98Thr (NM_001382395.1); short protein forms K91T, K98T.
Identifiers: ClinVar variation 3799902 (VCV003799902.1).
Genomic context (GRCh38, chr2:39,058,725, plus strand): 5'-AGCATTACCTTTAATAAAGGATGAATTTTTTCTACTGGGAGAGATAAAGGGTTTCTTCGC[T>G]TCCTCTTTTCAATAGCTGATTGGGCATCAGCTATTGCCCATTTATCAATTGGATGAGGGA-3'
Protein context (NP_005624.2, residues 88-108): ADAQSAIEKR[Lys98Thr]RRNPLSLPVE

ClinVar aggregate classification (germline): Uncertain significance (1 of 4 stars; one submission).

Conditions:
Cardiovascular phenotype. Identifiers: MedGen CN230736.

Submission:

Ambry Genetics
Classification: Uncertain significance for Cardiovascular phenotype. Last evaluated: 2024-12-28. Review status: criteria provided, single submitter. Criteria: Ambry Variant Classification Scheme 2023. Collection method: clinical testing. Allele origin: germline.
Comment: The p.K98T variant (also known as c.293A>C), located in coding exon 3 of the SOS1 gene, results from an A to C substitution at nucleotide position 293. The lysine at codon 98 is replaced by threonine, an amino acid with similar properties. This amino acid position is conserved. In addition, the in silico prediction for this alteration is inconclusive. Based on the available evidence, the clinical significance of this variant remains unclear.